The following is an entry in ClinVar:

ClinVar aggregate classification (germline): Uncertain significance (1 of 4 stars; one submission).

Submission:

Labcorp Genetics (formerly Invitae), Labcorp
Classification: Uncertain significance. Last evaluated: 2025-09-03. Review status: criteria provided, single submitter. Criteria: Invitae Variant Classification Sherloc (09022015). Collection method: clinical testing. Allele origin: germline.
Comment: This sequence change replaces leucine, which is neutral and non-polar, with proline, which is neutral and non-polar, at codon 136 of the LEMD3 protein (p.Leu136Pro). This variant is not present in population databases (gnomAD no frequency). This variant has not been reported in the literature in individuals affected with LEMD3-related conditions. Invitae Evidence Modeling of protein sequence and biophysical properties (such as structural, functional, and spatial information, amino acid conservation, physicochemical variation, residue mobility, and thermodynamic stability) indicates that this missense variant is not expected to disrupt LEMD3 protein function with a negative predictive value of 80%. In summary, the available evidence is currently insufficient to determine the role of this variant in disease. Therefore, it has been classified as a Variant of Uncertain Significance.

NM_014319.5(LEMD3):c.407T>C (p.Leu136Pro)

Genes: LEMD3 (LEM domain containing 3; plus strand), LOC130008224 (ATAC-STARR-seq lymphoblastoid silent region 4630; plus strand). Cytogenetic location: 12q14.3.
Variant type: single nucleotide variant.
Coding change: c.407T>C on transcript NM_014319.5 (MANE Select); coding-DNA position 407, T replaced by C.
Protein change: p.Leu136Pro; replaces leucine 136 with proline.
Molecular consequence: missense variant.
Genome position (GRCh38, 1-based): chr12:65,170,003, T>C. VCF-style: chr12-65170003-T-C. GRCh37 (hg19) VCF-style: chr12-65563783-T-C.
Other names: c.407T>C, p.Leu136Pro (NM_001167614.2); short protein forms L136P.
Identifiers: ClinVar variation 4743713 (VCV004743713.1).
Genomic context (GRCh38, chr12:65,170,003, plus strand): 5'-AGAGCCTCCTGGGAGGGCCCGGGGGCGCCTCCGCCGCCCCCGCGGCTGGCAGCAAAGTGC[T>C]GCTGGGCTTCAGCTCGGACGAGTCGGACGTGGAGGCCAGTCCCCGGGACCAGGCCGGCGG-3'
Protein context (NP_055134.2, residues 126-146): SAAPAAGSKV[Leu136Pro]LGFSSDESDV